The following is an entry in ClinVar:

ClinVar aggregate classification (germline): Uncertain significance. Review status: criteria provided, multiple submitters, no conflicts (2 of 4 stars). 3 submissions from 3 submitters: Uncertain significance (3). Last evaluated 2025-08-08.

Conditions:
Inborn genetic diseases. Identifiers: MedGen C0950123, MeSH D030342.

Allele frequency attached by ClinVar (database versions not stated): gnomAD exomes 0.00001.
gnomAD v4.1: 87 of 1,544,900 alleles (0.0056%); highest among the groups gnomAD compares: Non-Finnish European, 0.0072%; no homozygotes.

Submissions (3):

Ambry Genetics
Classification: Uncertain significance for Inborn genetic diseases. Last evaluated: 2025-08-08. Review status: criteria provided, single submitter. Criteria: Ambry Variant Classification Scheme 2023. Collection method: clinical testing. Allele origin: germline.

Labcorp Genetics (formerly Invitae), Labcorp
Classification: Uncertain significance. Last evaluated: 2022-07-05. Review status: criteria provided, single submitter. Criteria: Invitae Variant Classification Sherloc (09022015). Collection method: clinical testing. Allele origin: germline.
Comment: This sequence change replaces serine, which is neutral and polar, with cysteine, which is neutral and slightly polar, at codon 1998 of the EYS protein (p.Ser1998Cys). This variant is present in population databases (no rsID available, gnomAD 0.004%). This variant has not been reported in the literature in individuals affected with EYS-related conditions. ClinVar contains an entry for this variant (Variation ID: 1348374). Algorithms developed to predict the effect of missense changes on protein structure and function are either unavailable or do not agree on the potential impact of this missense change (SIFT: "Deleterious"; PolyPhen-2: "Possibly Damaging"; Align-GVGD: "Class C0"). In summary, the available evidence is currently insufficient to determine the role of this variant in disease. Therefore, it has been classified as a Variant of Uncertain Significance.

Blueprint Genetics
Classification: Uncertain significance. Last evaluated: 2021-12-29. Review status: criteria provided, single submitter. Criteria: ACMG Guidelines, 2015. Collection method: clinical testing. Allele origin: germline.

NM_001142800.2(EYS):c.5993C>G (p.Ser1998Cys)

Gene: EYS (EGF-like photoreceptor maintenance factor; minus strand). Cytogenetic location: 6q12.
Variant type: single nucleotide variant.
Coding change: c.5993C>G on transcript NM_001142800.2 (MANE Select); coding-DNA position 5993, C replaced by G.
Protein change: p.Ser1998Cys; replaces serine 1998 with cysteine.
Molecular consequence: missense variant.
Genome position (GRCh38, 1-based): chr6:64,388,775, G>C on the plus strand (C>G on the coding strand, the complement: EYS is on the minus strand). VCF-style: chr6-64388775-G-C. GRCh37 (hg19) VCF-style: chr6-65098668-G-C.
Other names: c.5993C>G, p.Ser1998Cys (NM_001292009.2); c.5993C>G (NM_001142800.1); short protein forms S1998C.
Identifiers: ClinVar variation 1348374 (VCV001348374.5), dbSNP rs1464245433, ClinGen allele CA364392112.